The following is an entry in ClinVar:

ClinVar aggregate classification (germline): Uncertain significance (1 of 4 stars; one submission).

Conditions:
Prostate cancer. Also called: Malignant tumor of prostate. Identifiers: Orphanet 1331, MedGen C0376358, MONDO:0008315, HP:0012125.

Allele frequency attached by ClinVar (database versions not stated): gnomAD exomes below 0.00001; gnomAD 0.00002; TOPMed 0.00001.
gnomAD v4.1: 3 of 442,762 alleles (0.00068%); highest among the groups gnomAD compares: Admixed American, 0.0084%; no homozygotes.

Submission:

Centre for Mendelian Genomics, University Medical Centre Ljubljana
Classification: Uncertain significance for Familial prostate cancer. Last evaluated: 2019-09-23. Review status: criteria provided, single submitter. Criteria: ACMG Guidelines, 2015. Collection method: clinical testing. Allele origin: unknown. Affected: yes.
Comment: This variant was classified as: Uncertain significance. The available evidence on this variant's pathogenicity is insufficient or conflicting. The following ACMG criteria were applied in classifying this variant: PM2. This variant was detected in hemizygous state.

NM_000044.6(AR):c.1885+3718A>G

Gene: AR (androgen receptor; plus strand). Cytogenetic location: Xq12.
Variant type: single nucleotide variant.
Coding change: c.1885+3718A>G on transcript NM_000044.6 (MANE Select); 3718 bases into the intron after coding-DNA position 1885, A replaced by G.
Molecular consequence: intron variant.
Genome position (GRCh38, 1-based): chrX:67,689,844, A>G. VCF-style: chrX-67689844-A-G. GRCh37 (hg19) VCF-style: chrX-66909686-A-G.
Other names: c.289+3718A>G (NM_001011645.3); c.1885+3718A>G (NM_001348061.1); c.*83+3718A>G (NM_001348064.1).
Identifiers: ClinVar variation 931589 (VCV000931589.3), dbSNP rs889696386, ClinGen allele CA330769208.
Genomic context (GRCh38, chrX:67,689,844, plus strand): 5'-ATGAGGACCTTCCCTCCAGTGAATTAGCTGTGGCTTTCTCACAGTCCATAGTTAGGATAA[A>G]TGTAAAGCCATTTCTCATTTTTCTCCGCACTTTCCAAGGGTACACTCCTTGTTTCCAAGA-3'